The following is an entry in ClinVar:

ClinVar aggregate classification (germline): Pathogenic. Review status: criteria provided, multiple submitters, no conflicts (2 of 4 stars). 2 submissions from 2 submitters: Pathogenic (2). Last evaluated 2026-01-01.

Conditions:
CYLD-related disorder. Also called: CYLD-related condition.

Submissions (2):

Labcorp Genetics (formerly Invitae), Labcorp
Classification: Pathogenic. Last evaluated: 2026-01-01. Review status: criteria provided, single submitter. Criteria: Invitae Variant Classification Sherloc (09022015). Collection method: clinical testing. Allele origin: germline.
Comment: This sequence change creates a premature translational stop signal (p.Trp847*) in the CYLD gene. It is expected to result in an absent or disrupted protein product. Loss-of-function variants in CYLD are known to be pathogenic (PMID: 19462465). This variant is not present in population databases (gnomAD no frequency). This premature translational stop signal has been observed in individual(s) with clinical features of CYLD cutaneous syndrome (PMID: 29974194). For these reasons, this variant has been classified as Pathogenic.

Blueprint Genetics
Classification: Pathogenic for CYLD-related disorders. Last evaluated: 2021-06-28. Review status: criteria provided, single submitter. Criteria: ACMG Guidelines, 2015. Collection method: clinical testing. Allele origin: germline. Affected: yes. Observed: 1 variant allele.

Literature cited by the submitters: PubMed 19462465 (cited by Labcorp Genetics (formerly Invitae), Labcorp); PubMed 29974194 (cited by Labcorp Genetics (formerly Invitae), Labcorp).

NM_001378743.1(CYLD):c.2541G>A (p.Trp847Ter)

Genes: CYLD (CYLD lysine 63 deubiquitinase; plus strand), CYLD-AS2 (CYLD antisense RNA 2; minus strand). Cytogenetic location: 16q12.1.
Variant type: single nucleotide variant.
Coding change: c.2541G>A on transcript NM_001378743.1 (MANE Select); coding-DNA position 2541, G replaced by A.
Protein change: p.Trp847Ter; replaces tryptophan 847 with a stop codon.
Molecular consequence: nonsense. On other transcripts: non-coding transcript variant (1).
Genome position (GRCh38, 1-based): chr16:50,794,283, G>A. VCF-style: chr16-50794283-G-A. GRCh37 (hg19) VCF-style: chr16-50828194-G-A.
Other names: c.2532G>A, p.Trp844Ter (NM_001042355.2, NM_001042412.3, NM_001378744.1 and 6 more transcripts); c.2502G>A, p.Trp834Ter (NM_001378751.1, NM_001378752.1, NM_001378753.1); c.1866G>A, p.Trp622Ter (NM_001378754.1, NM_001378755.1); c.2541G>A, p.Trp847Ter (NM_015247.3); short protein forms W844*, W622*, W834*, W847*.
Identifiers: ClinVar variation 4734560 (VCV004734560.2).
Genomic context (GRCh38, chr16:50,794,283, plus strand): 5'-TCCGAAGAGGCTGAATCATAAATATAACCCAGTGTCACTTCCCAAAGACTTACCCGACTG[G>A]GACTGGAGACACGGCTGCATCCCTTGCCAGAATATGGAGTTATTTGCTGTTCTCTGCATA-3'